The following is an entry in ClinVar:

ClinVar aggregate classification (germline): Likely benign (0 of 4 stars; one submission).

Conditions:
GIT1-related disorder. Also called: GIT1-related condition.

Allele frequency attached by ClinVar (database versions not stated): ExAC 0.00018; gnomAD 0.00029; ESP Exome Variant Server 0.00031; gnomAD exomes 0.00043.
gnomAD v4.1: 661 of 1,612,178 alleles (0.041%); highest among the groups gnomAD compares: Non-Finnish European, 0.051%; no homozygotes.

Submission:

PreventionGenetics, part of Exact Sciences
Classification: Likely benign for GIT1-related condition. Last evaluated: 2019-05-23. Review status: no assertion criteria provided. Collection method: clinical testing. Allele origin: germline.
Comment: This variant is classified as likely benign based on ACMG/AMP sequence variant interpretation guidelines (Richards et al. 2015 PMID: 25741868, with internal and published modifications).

NM_014030.4(GIT1):c.1548G>C (p.Leu516=)

Genes: GIT1 (GIT ArfGAP 1; minus strand), TP53I13 (tumor protein p53 inducible protein 13; plus strand). Cytogenetic location: 17q11.2.
Variant type: single nucleotide variant.
Coding change: c.1548G>C on transcript NM_014030.4 (MANE Select); coding-DNA position 1548, G replaced by C.
Protein change: p.Leu516=; no amino-acid change (leucine 516 retained).
Molecular consequence: synonymous variant.
Genome position (GRCh38, 1-based): chr17:29,576,283, C>G on the plus strand (G>C on the coding strand, the complement: GIT1 is on the minus strand). VCF-style: chr17-29576283-C-G. GRCh37 (hg19) VCF-style: chr17-27903301-C-G.
Other names: c.1575G>C, p.Leu525= (NM_001085454.2).
Identifiers: ClinVar variation 3039162 (VCV003039162.2), dbSNP rs144464404, ClinGen allele CA8476022.